The following is an entry in ClinVar:

NM_005902.4(SMAD3):c.206+3G>T

Gene: SMAD3 (SMAD family member 3; plus strand). Cytogenetic location: 15q22.33.
Variant type: single nucleotide variant.
Coding change: c.206+3G>T on transcript NM_005902.4 (MANE Select); 3 bases into the intron after coding-DNA position 206, G replaced by T.
Molecular consequence: intron variant.
Genome position (GRCh38, 1-based): chr15:67,066,363, G>T. VCF-style: chr15-67066363-G-T. GRCh37 (hg19) VCF-style: chr15-67358701-G-T.
Identifiers: ClinVar variation 520181 (VCV000520181.10), dbSNP rs1265081565, ClinGen allele CA618961961.

ClinVar aggregate classification (germline): Uncertain significance. Review status: criteria provided, multiple submitters, no conflicts (2 of 4 stars). 2 submissions from 2 submitters: Uncertain significance (2). Last evaluated 2022-10-19.

Conditions:
Familial thoracic aortic aneurysm and aortic dissection (TAAD). Also called: Thoracic aortic aneurysms and dissections. Identifiers: Orphanet 91387, MedGen C4707243, MONDO:0019625.

gnomAD v4.1: 25 of 1,611,614 alleles (0.0016%); highest among the groups gnomAD compares: Non-Finnish European, 0.0021%; no homozygotes.

Submissions (2):

Labcorp Genetics (formerly Invitae), Labcorp
Classification: Uncertain significance for Familial thoracic aortic aneurysm and aortic dissection. Last evaluated: 2022-10-19. Review status: criteria provided, single submitter. Criteria: Invitae Variant Classification Sherloc (09022015). Collection method: clinical testing. Allele origin: germline.
Comment: This sequence change falls in intron 1 of the SMAD3 gene. It does not directly change the encoded amino acid sequence of the SMAD3 protein. It affects a nucleotide within the consensus splice site. This variant is not present in population databases (gnomAD no frequency). This variant has not been reported in the literature in individuals affected with SMAD3-related conditions. ClinVar contains an entry for this variant (Variation ID: 520181). Variants that disrupt the consensus splice site are a relatively common cause of aberrant splicing (PMID: 17576681, 9536098). Algorithms developed to predict the effect of sequence changes on RNA splicing suggest that this variant is not likely to affect RNA splicing. In summary, the available evidence is currently insufficient to determine the role of this variant in disease. Therefore, it has been classified as a Variant of Uncertain Significance.

Ambry Genetics
Classification: Uncertain significance for Familial thoracic aortic aneurysm and aortic dissection. Last evaluated: 2016-07-08. Review status: criteria provided, single submitter. Criteria: Ambry Variant Classification Scheme 2023. Collection method: clinical testing. Allele origin: germline.
Comment: The c.206+3G>T intronic variant results from a G to T substitution 3 nucleotides downstream of coding exon 1 in the SMAD3 gene. This variant was not reported in population based cohorts in the following databases: Database of Single Nucleotide Polymorphisms (dbSNP), NHLBI Exome Sequencing Project (ESP), and 1000 Genomes Project. In the ESP, this variant was not observed in 6489 samples (12978 alleles) with coverage at this position. This nucleotide position is not well conserved on limited sequence alignment. Using the BDGP and ESEfinder splice site prediction tools, this alteration is predicted to weaken the efficiency of the native splice donor site; however, direct evidence is unavailable. Since supporting evidence is limited at this time, the clinical significance of this alteration remains unclear.

Literature cited by the submitters: PubMed 17576681 (cited by Labcorp Genetics (formerly Invitae), Labcorp); PubMed 9536098 (cited by Labcorp Genetics (formerly Invitae), Labcorp).